The following is an entry in ClinVar:

NM_018993.4(RIN2):c.98A>G (p.Gln33Arg)

Gene: RIN2 (Ras and Rab interactor 2; plus strand). Cytogenetic location: 20p11.23.
Variant type: single nucleotide variant.
Coding change: c.98A>G on transcript NM_018993.4 (MANE Select); coding-DNA position 98, A replaced by G.
Protein change: p.Gln33Arg; replaces glutamine 33 with arginine.
Molecular consequence: missense variant. On other transcripts: 5 prime UTR variant (1).
Genome position (GRCh38, 1-based): chr20:19,935,139, A>G. VCF-style: chr20-19935139-A-G. GRCh37 (hg19) VCF-style: chr20-19915783-A-G.
Other names: c.245A>G, p.Gln82Arg (NM_001242581.2); c.-448A>G (NM_001378238.1); short protein forms Q33R, Q82R.
Identifiers: ClinVar variation 1216611 (VCV001216611.3), dbSNP rs370464072, ClinGen allele CA9779717.

ClinVar aggregate classification (germline): Uncertain significance (1 of 4 stars; one submission).

Allele frequency attached by ClinVar (database versions not stated): gnomAD exomes 0.00001; ExAC 0.00003; ESP Exome Variant Server 0.00008; gnomAD 0.00008 and 0.00011; TOPMed 0.00012.
gnomAD v4.1: 21 of 1,604,878 alleles (0.0013%); highest among the groups gnomAD compares: African/African-American, 0.025%; no homozygotes.

Submission:

GeneDx
Classification: Uncertain significance. Last evaluated: 2019-08-12. Review status: criteria provided, single submitter. Criteria: GeneDx Variant Classification Process June 2021. Collection method: clinical testing. Allele origin: germline. Affected: yes.
Comment: Has not been previously published as pathogenic or benign to our knowledge; In silico analysis, which includes protein predictors and evolutionary conservation, supports that this variant does not alter protein structure/function